The following is an entry in ClinVar:

ClinVar aggregate classification (germline): Uncertain significance (1 of 4 stars; one submission).

Conditions:
Sulfite oxidase deficiency due to molybdenum cofactor deficiency type A. Also called: Molybdenum Cofactor Deficiency A; Molybdenum cofactor deficiency, complementation group A. Identifiers: Orphanet 308386, Orphanet 833, MedGen C1854988, MONDO:0009643, OMIM 252150.

Submission:

Labcorp Genetics (formerly Invitae), Labcorp
Classification: Uncertain significance for Sulfite oxidase deficiency due to molybdenum cofactor deficiency type A. Last evaluated: 2022-03-04. Review status: criteria provided, single submitter. Criteria: Invitae Variant Classification Sherloc (09022015). Collection method: clinical testing. Allele origin: germline.
Comment: This sequence change replaces methionine, which is neutral and non-polar, with isoleucine, which is neutral and non-polar, at codon 414 of the MOCS1 protein (p.Met414Ile). This variant is not present in population databases (gnomAD no frequency). This variant has not been reported in the literature in individuals affected with MOCS1-related conditions. Algorithms developed to predict the effect of missense changes on protein structure and function are either unavailable or do not agree on the potential impact of this missense change (SIFT: "Not Available"; PolyPhen-2: "Benign"; Align-GVGD: "Not Available"). In summary, the available evidence is currently insufficient to determine the role of this variant in disease. Therefore, it has been classified as a Variant of Uncertain Significance.

NM_001358530.2(MOCS1):c.1242G>T (p.Met414Ile)

Gene: MOCS1 (molybdenum cofactor synthesis 1; minus strand). Cytogenetic location: 6p21.2.
Variant type: single nucleotide variant.
Coding change: c.1242G>T on transcript NM_001358530.2 (MANE Select); coding-DNA position 1242, G replaced by T.
Protein change: p.Met414Ile; replaces methionine 414 with isoleucine.
Molecular consequence: missense variant. On other transcripts: 3 prime UTR variant (4), non-coding transcript variant (1).
Genome position (GRCh38, 1-based): chr6:39,907,026, C>A on the plus strand (G>T on the coding strand, the complement: MOCS1 is on the minus strand). VCF-style: chr6-39907026-C-A. GRCh37 (hg19) VCF-style: chr6-39874802-C-A.
Other names: c.*99G>T (NM_001075098.4, NM_001358533.2, NM_001358534.2 and 1 more transcripts); c.1194G>T, p.Met398Ile (NM_001358529.2); c.981G>T, p.Met327Ile (NM_001358531.2); short protein forms M327I, M398I, M414I.
Identifiers: ClinVar variation 2098674 (VCV002098674.1), dbSNP rs2482260233, ClinGen allele CA364041037.
Genomic context (GRCh38, chr6:39,907,026, plus strand): 5'-AGGAGGGGTCTGGGGGACCCTGCATCCTTTCCATAAAGTGGCCACCTGGCTGGAGAAACT[C>A]ATTCTGGGTCTTAGACCCTGAACATGGAGCGGGTCCCAGGAGAAAATGCTTGGATTGGCT-3'
Protein context (NP_001345459.1, residues 404-424): PLHVQGLRPR[Met414Ile]SFSSQVATLW